The following is an entry in ClinVar:

ClinVar aggregate classification (germline): Likely pathogenic (1 of 4 stars; one submission).

Conditions:
Intellectual developmental disorder, X-linked, syndromic, Claes-Jensen type. Also called: INTELLECTUAL DEVELOPMENTAL DISORDER, X-LINKED, SYNDROMIC 16; MENTAL RETARDATION, X-LINKED, SYNDROMIC 16; Syndromic X-linked intellectual disability Claes-Jensen type. Identifiers: Orphanet 85279, MedGen C1845243, MONDO:0010355, OMIM 300534.

Submission:

Broad Center for Mendelian Genomics, Broad Institute of MIT and Harvard
Classification: Likely pathogenic for Intellectual developmental disorder, X-linked, syndromic, Claes-Jensen type. Last evaluated: 2018-12-03. Review status: criteria provided, single submitter. Criteria: ACMG Guidelines, 2015. Collection method: research. Allele origin: germline. Inheritance: X-linked inheritance. Affected: yes.
Comment: The hemizygous p.Tyr85Ter variant in KDM5C was identified by our study in two siblings with syndromic X-linked mental retardation. The p.Tyr85Ter variant in KDM5C has not been previously reported in individuals with syndromic X-linked mental retardation and was absent from large population studies. This nonsense variant leads to a premature termination codon at position 85, which is predicted to lead to a truncated or absent protein. Loss of function of the KDM5C gene is an established disease mechanism in X-linked recessive syndromic X-linked mental retardation. In summary, although additional studies are required to fully establish its clinical significance, this variant is likely pathogenic. ACMG/AMP Criteria applied: PM2, PVS1 (Richards 2015).

NM_004187.5(KDM5C):c.255C>G (p.Tyr85Ter)

Gene: KDM5C (lysine demethylase 5C; minus strand). Cytogenetic location: Xp11.22.
Variant type: single nucleotide variant.
Coding change: c.255C>G on transcript NM_004187.5 (MANE Select); coding-DNA position 255, C replaced by G.
Protein change: p.Tyr85Ter; replaces tyrosine 85 with a stop codon.
Molecular consequence: nonsense. On other transcripts: non-coding transcript variant (2), intron variant (1).
Genome position (GRCh38, 1-based): chrX:53,218,372, G>C on the plus strand (C>G on the coding strand, the complement: KDM5C is on the minus strand). VCF-style: chrX-53218372-G-C. GRCh37 (hg19) VCF-style: chrX-53247554-G-C.
Other names: c.255C>G, p.Tyr85Ter (NM_001282622.3, NM_001353978.3, NM_001353979.2 and 3 more transcripts); c.151-406C>G (NM_001146702.2); short protein forms Y85*.
Identifiers: ClinVar variation 813905 (VCV000813905.1), dbSNP rs1602231587, ClinGen allele CA413131769.
Genomic context (GRCh38, chrX:53,218,372, plus strand): 5'-TACATTGGGAATCTTTAAGGAGGAGCCCTGGATTTCCCAGAATTTGGCAATCTGGTCCAA[G>C]TAGTTCAGTTTCACTCTCGTCTGGGCCTGAAGAAGAAATGGCTCAAAGAGGCTGGCCACC-3'